The following is an entry in ClinVar:

NM_000744.7(CHRNA4):c.438C>T (p.Asp146=)

Gene: CHRNA4 (cholinergic receptor nicotinic alpha 4 subunit; minus strand). Cytogenetic location: 20q13.33.
Variant type: single nucleotide variant.
Coding change: c.438C>T on transcript NM_000744.7 (MANE Select); coding-DNA position 438, C replaced by T.
Protein change: p.Asp146=; no amino-acid change (aspartic acid 146 retained).
Molecular consequence: synonymous variant. On other transcripts: 5 prime UTR variant (1), non-coding transcript variant (1).
Genome position (GRCh38, 1-based): chr20:63,350,973, G>A on the plus strand (C>T on the coding strand, the complement: CHRNA4 is on the minus strand). VCF-style: chr20-63350973-G-A. GRCh37 (hg19) VCF-style: chr20-61982325-G-A.
Other names: c.-91C>T (NM_001256573.2).
Identifiers: ClinVar variation 508194 (VCV000508194.12), dbSNP rs147853603, ClinGen allele CA9957801.

ClinVar aggregate classification (germline): Likely benign. Review status: criteria provided, multiple submitters, no conflicts (2 of 4 stars). 3 submissions from 3 submitters: Likely benign (3). Last evaluated 2025-06-03.

Conditions:
Familial sleep-related hypermotor epilepsy. Also called: Autosomal Dominant Sleep-Related Hypermotor (Hyperkinetic) Epilepsy. Identifiers: Orphanet 98784, MedGen C3696898, MONDO:0000030.

Allele frequency attached by ClinVar (database versions not stated): gnomAD 0.00003; TOPMed 0.00004; gnomAD exomes 0.00005 and 0.00006; ExAC 0.00006; ESP Exome Variant Server 0.00008.

Submissions (3):

Labcorp Genetics (formerly Invitae), Labcorp
Classification: Likely benign. Last evaluated: 2025-06-03. Review status: criteria provided, single submitter. Criteria: Invitae Variant Classification Sherloc (09022015). Collection method: clinical testing. Allele origin: germline.

Blueprint Genetics
Classification: Likely benign. Last evaluated: 2024-05-08. Review status: criteria provided, single submitter. Criteria: ACMG Guidelines, 2015. Collection method: clinical testing. Allele origin: germline.

GeneDx
Classification: Likely benign. Last evaluated: 2017-03-16. Review status: criteria provided, single submitter. Criteria: GeneDx Variant Classification (06012015). Collection method: clinical testing. Allele origin: germline. Affected: yes.
Comment: This variant is considered likely benign or benign based on one or more of the following criteria: it is a conservative change, it occurs at a poorly conserved position in the protein, it is predicted to be benign by multiple in silico algorithms, and/or has population frequency not consistent with disease.